The following is an entry in ClinVar:

NM_000718.4(CACNA1B):c.5320-3del

Gene: CACNA1B (calcium voltage-gated channel subunit alpha1 B; plus strand). Cytogenetic location: 9q34.3.
Variant type: Deletion.
Coding change: c.5320-3del on transcript NM_000718.4 (MANE Select); 3 bases into the intron before coding-DNA position 5320, one base deleted (T; older notation c.5320-3delT).
Molecular consequence: intron variant.
Genome position (GRCh38, 1-based): chr9:138,105,696, T deleted. VCF-style (leftmost placement, unchanged base first): chr9-138105695-CT-C. GRCh37 (hg19) VCF-style: chr9-141000147-CT-C.
Other names: c.5320-3del (NM_001243812.2); c.5320-3delT (NM_000718.4).
Identifiers: ClinVar variation 2166931 (VCV002166931.4), dbSNP rs1391147085, ClinGen allele CA591258456.

ClinVar aggregate classification (germline): Uncertain significance. Review status: criteria provided, multiple submitters, no conflicts (2 of 4 stars). 3 submissions from 3 submitters: Uncertain significance (3). Last evaluated 2024-05-02.

Allele frequency attached by ClinVar (database versions not stated): gnomAD 0.00004; gnomAD exomes 0.00004; TOPMed 0.00005.

Submissions (3):

Blueprint Genetics
Classification: Uncertain significance. Last evaluated: 2024-05-02. Review status: criteria provided, single submitter. Criteria: ACMG Guidelines, 2015. Collection method: clinical testing. Allele origin: germline.

Women's Health and Genetics/Laboratory Corporation of America, LabCorp
Classification: Uncertain significance. Last evaluated: 2024-03-18. Review status: criteria provided, single submitter. Criteria: LabCorp Variant Classification Summary - May 2015. Collection method: clinical testing. Allele origin: germline.
Comment: Variant summary: CACNA1B c.5320-3delT alters a conserved nucleotide located close to a canonical splice site and therefore could affect mRNA splicing, leading to a significantly altered protein sequence. Several computational tools predict a significant impact on normal splicing: One predicts the variant abolishes a 3' acceptor site, and two predict the variant weakens a 3' acceptor site. One predicts the variant has no significant impact on splicing. However, these predictions have yet to be confirmed by functional studies. The variant allele was found at a frequency of 2.5e-05 in 160998 control chromosomes. The available data on variant occurrences in the general population are insufficient to allow any conclusion about variant significance. To our knowledge, no occurrence of c.5320-3delT in individuals affected with Neurodevelopmental Disorder With Seizures And Nonepileptic Hyperkinetic Movements and no experimental evidence demonstrating its impact on protein function have been reported. ClinVar contains an entry for this variant (Variation ID: 2166931). Based on the evidence outlined above, the variant was classified as uncertain significance.

Labcorp Genetics (formerly Invitae), Labcorp
Classification: Uncertain significance. Last evaluated: 2022-10-21. Review status: criteria provided, single submitter. Criteria: Invitae Variant Classification Sherloc (09022015). Collection method: clinical testing. Allele origin: germline.
Comment: This sequence change falls in intron 38 of the CACNA1B gene. It does not directly change the encoded amino acid sequence of the CACNA1B protein. It affects a nucleotide within the consensus splice site. This variant is present in population databases (no rsID available, gnomAD 0.006%). This variant has not been reported in the literature in individuals affected with CACNA1B-related conditions. Variants that disrupt the consensus splice site are a relatively common cause of aberrant splicing (PMID: 17576681, 9536098). Algorithms developed to predict the effect of sequence changes on RNA splicing suggest that this variant is not likely to affect RNA splicing. In summary, the available evidence is currently insufficient to determine the role of this variant in disease. Therefore, it has been classified as a Variant of Uncertain Significance.

Literature cited by the submitters: PubMed 17576681 (cited by Labcorp Genetics (formerly Invitae), Labcorp); PubMed 9536098 (cited by Labcorp Genetics (formerly Invitae), Labcorp).